The following is an entry in ClinVar:

ClinVar aggregate classification (germline): Conflicting classifications of pathogenicity. Review status: criteria provided, conflicting classifications (1 of 4 stars). 5 submissions from 5 submitters: Uncertain significance (2); Benign (1); Likely benign (1). 1 of the submissions does not count toward it. Last evaluated 2024-11-05.

Conditions:
Microcephaly 2, primary, autosomal recessive, with or without cortical malformations. Also called: WDR62 Primary Microcephaly; MICROCEPHALY 2, PRIMARY, AUTOSOMAL RECESSIVE, WITH CORTICAL MALFORMATIONS. Identifiers: Orphanet 2512, MedGen C1858535, MONDO:0011435, OMIM 604317.
WDR62-related disorder. Also called: WDR62-related condition.

Allele frequency attached by ClinVar (database versions not stated): ExAC 0.00018; TOPMed 0.00018; gnomAD 0.00020 and 0.00021; gnomAD exomes 0.00022 and 0.00025.
gnomAD v4.1: 374 of 1,614,086 alleles (0.023%); highest among the groups gnomAD compares: Non-Finnish European, 0.015%; 1 homozygote.

Submissions (5):

Labcorp Genetics (formerly Invitae), Labcorp
Classification: Benign. Last evaluated: 2024-11-05. Review status: criteria provided, single submitter. Criteria: Invitae Variant Classification Sherloc (09022015). Collection method: clinical testing. Allele origin: germline.

CeGaT Center for Human Genetics Tuebingen
Classification: Likely benign. Last evaluated: 2023-09-01. Review status: criteria provided, single submitter. Criteria: CeGaT Center For Human Genetics Tuebingen Variant Classification Criteria Version 2. Collection method: clinical testing. Allele origin: germline. Affected: yes. Observed: 1 variant allele.
Comment: WDR62: BP4

Illumina Laboratory Services, Illumina
Classification: Uncertain significance for Microcephaly 2, primary, autosomal recessive, with or without cortical malformations. Last evaluated: 2018-01-12. Review status: criteria provided, single submitter. Criteria: ICSL Variant Classification Criteria 13 December 2019. Collection method: clinical testing. Allele origin: germline.

Eurofins Ntd Llc (ga)
Classification: Uncertain significance. Last evaluated: 2016-12-14. Review status: criteria provided, single submitter. Criteria: EGL Classification Definitions 2015. Collection method: clinical testing. Allele origin: germline. Observed: 1 variant allele, 1 heterozygote.

PreventionGenetics, part of Exact Sciences
Classification: Likely benign for WDR62-related condition. Last evaluated: 2024-09-17. Review status: no assertion criteria provided. Collection method: clinical testing. Allele origin: germline. Not counted in ClinVar's aggregate classification.
Comment: This variant is classified as likely benign based on ACMG/AMP sequence variant interpretation guidelines (Richards et al. 2015 PMID: 25741868, with internal and published modifications).

NM_001083961.2(WDR62):c.820T>G (p.Tyr274Asp)

Gene: WDR62 (WD repeat domain 62; plus strand). Cytogenetic location: 19q13.12.
Variant type: single nucleotide variant.
Coding change: c.820T>G on transcript NM_001083961.2 (MANE Select); coding-DNA position 820, T replaced by G.
Protein change: p.Tyr274Asp; replaces tyrosine 274 with aspartic acid.
Molecular consequence: missense variant.
Genome position (GRCh38, 1-based): chr19:36,067,948, T>G. VCF-style: chr19-36067948-T-G. GRCh37 (hg19) VCF-style: chr19-36558850-T-G.
Other names: c.820T>G, p.Tyr274Asp (NM_173636.5); short protein forms Y274D.
Identifiers: ClinVar variation 328908 (VCV000328908.40), dbSNP rs746156911, ClinGen allele CA9395397.